The following is an entry in ClinVar:

NM_000368.5(TSC1):c.2635A>C (p.Met879Leu)

Gene: TSC1 (TSC complex subunit 1; minus strand). Cytogenetic location: 9q34.13.
Variant type: single nucleotide variant.
Coding change: c.2635A>C on transcript NM_000368.5 (MANE Select); coding-DNA position 2635, A replaced by C.
Protein change: p.Met879Leu; replaces methionine 879 with leucine.
Molecular consequence: missense variant.
Genome position (GRCh38, 1-based): chr9:132,897,601, T>G on the plus strand (A>C on the coding strand, the complement: TSC1 is on the minus strand). VCF-style: chr9-132897601-T-G. GRCh37 (hg19) VCF-style: chr9-135772988-T-G.
Other names: c.2632A>C, p.Met878Leu (NM_001162426.2); c.2482A>C, p.Met828Leu (NM_001162427.2); c.2272A>C, p.Met758Leu (NM_001362177.2); short protein forms M758L, M828L, M878L, M879L.
Identifiers: ClinVar variation 1301449 (VCV001301449.7), dbSNP rs778416424, ClinGen allele CA375369698.

ClinVar aggregate classification (germline): Uncertain significance. Review status: criteria provided, multiple submitters, no conflicts (2 of 4 stars). 3 submissions from 3 submitters: Uncertain significance (3). Last evaluated 2024-08-01.

Conditions:
Tuberous sclerosis 1 (TSC1). Identifiers: Orphanet 805, MedGen C1854465, MONDO:0008612, OMIM 191100.
Hereditary cancer-predisposing syndrome. Also called: Neoplastic Syndromes, Hereditary; Hereditary Cancer Syndrome; Tumor predisposition; Hereditary neoplastic syndrome. Identifiers: Orphanet 140162, MedGen C0027672, MeSH D009386, MONDO:0015356.

Submissions (3):

Labcorp Genetics (formerly Invitae), Labcorp
Classification: Uncertain significance for Tuberous sclerosis 1. Last evaluated: 2024-08-01. Review status: criteria provided, single submitter. Criteria: Invitae Variant Classification Sherloc (09022015). Collection method: clinical testing. Allele origin: germline.
Comment: This sequence change replaces methionine, which is neutral and non-polar, with leucine, which is neutral and non-polar, at codon 879 of the TSC1 protein (p.Met879Leu). This variant is not present in population databases (gnomAD no frequency). This variant has not been reported in the literature in individuals affected with TSC1-related conditions. ClinVar contains an entry for this variant (Variation ID: 1301449). Advanced modeling of protein sequence and biophysical properties (such as structural, functional, and spatial information, amino acid conservation, physicochemical variation, residue mobility, and thermodynamic stability) performed at Invitae indicates that this missense variant is not expected to disrupt TSC1 protein function with a negative predictive value of 95%. In summary, the available evidence is currently insufficient to determine the role of this variant in disease. Therefore, it has been classified as a Variant of Uncertain Significance.

Ambry Genetics
Classification: Uncertain significance for Hereditary cancer-predisposing syndrome. Last evaluated: 2024-06-26. Review status: criteria provided, single submitter. Criteria: Ambry Variant Classification Scheme 2023. Collection method: clinical testing. Allele origin: germline.
Comment: The p.M879L variant (also known as c.2635A>C), located in coding exon 19 of the TSC1 gene, results from an A to C substitution at nucleotide position 2635. The methionine at codon 879 is replaced by leucine, an amino acid with highly similar properties. This amino acid position is conserved. In addition, this alteration is predicted to be tolerated by in silico analysis. Based on the available evidence, the clinical significance of this variant remains unclear.

GeneDx
Classification: Uncertain significance. Last evaluated: 2021-04-19. Review status: criteria provided, single submitter. Criteria: GeneDx Variant Classification Process June 2021. Collection method: clinical testing. Allele origin: germline. Affected: yes.
Comment: Not observed in large population cohorts (Lek et al., 2016); In silico analysis supports that this missense variant does not alter protein structure/function; Has not been previously published as pathogenic or benign to our knowledge